The following is an entry in ClinVar:

ClinVar aggregate classification (germline): Uncertain significance (0 of 4 stars; one submission).

Conditions:
FGFR2-related disorder. Identifiers: MedGen CN380096.

Allele frequency attached by ClinVar (database versions not stated): TOPMed 0.00003; ExAC 0.00001; gnomAD exomes 0.00001; gnomAD 0.00003.

Submission:

PreventionGenetics, part of Exact Sciences
Classification: Uncertain significance for FGFR2-related condition. Last evaluated: 2024-01-08. Review status: no assertion criteria provided. Collection method: clinical testing. Allele origin: germline.
Comment: The FGFR2 c.1067C>G variant is predicted to result in the amino acid substitution p.Thr356Ser. This variant has been reported in an individual from a cohort of patients with disorders/differences of sex development (DSD) (Table S1, Zidoune et al. 2022. PubMed ID: 36110220). This variant is reported in two of ~ 249,404 total alleles in gnomAD. At this time, the clinical significance of this variant is uncertain due to the absence of conclusive functional and genetic evidence.

NM_022970.4(FGFR2):c.1067C>G (p.Thr356Ser)

Gene: FGFR2 (fibroblast growth factor receptor 2; minus strand). Cytogenetic location: 10q26.13.
Variant type: single nucleotide variant.
Coding change: c.1067C>G on transcript NM_022970.4 (MANE Plus Clinical); coding-DNA position 1067, C replaced by G.
Protein change: p.Thr356Ser; replaces threonine 356 with serine.
Molecular consequence: missense variant. On other transcripts: non-coding transcript variant (1), intron variant (12).
Genome position (GRCh38, 1-based): chr10:121,518,702, G>C on the plus strand (C>G on the coding strand, the complement: FGFR2 is on the minus strand). VCF-style: chr10-121518702-G-C. GRCh37 (hg19) VCF-style: chr10-123278216-G-C.
Other names: c.1067C>G, p.Thr356Ser (NM_001144913.1, NM_001441087.1); c.800C>G, p.Thr267Ser (NM_001144919.2, NM_001441088.1); c.749-3383C>G (NM_001144914.1); c.595-1239C>G (NM_001144918.2, NM_001441091.1, NM_001441090.1 and 1 more transcripts); c.673-1239C>G (NM_001441089.1, NM_023029.3, NM_001144915.2); c.939+1277C>G (NM_001144917.2); c.940-1239C>G (NM_001320658.2, NM_000141.5); c.256-1239C>G (NM_001320654.2); short protein forms T267S, T356S.
Identifiers: ClinVar variation 3046133 (VCV003046133.2), dbSNP rs377431543, ClinGen allele CA5720929.